The following is an entry in ClinVar:

NM_003482.4(KMT2D):c.2518C>A (p.Pro840Thr)

Gene: KMT2D (lysine methyltransferase 2D; minus strand). Cytogenetic location: 12q13.12.
Variant type: single nucleotide variant.
Coding change: c.2518C>A on transcript NM_003482.4 (MANE Select); coding-DNA position 2518, C replaced by A.
Protein change: p.Pro840Thr; replaces proline 840 with threonine.
Molecular consequence: missense variant.
Genome position (GRCh38, 1-based): chr12:49,051,165, G>T on the plus strand (C>A on the coding strand, the complement: KMT2D is on the minus strand). VCF-style: chr12-49051165-G-T. GRCh37 (hg19) VCF-style: chr12-49444948-G-T.
Other names: short protein forms P840T.
Identifiers: ClinVar variation 2781971 (VCV002781971.3), dbSNP rs757142861, ClinGen allele CA384665633.
Genomic context (GRCh38, chr12:49,051,165, plus strand): 5'-GGGGTGGCTTCTCAAGCTCAGGGGACAGATGCGATTCCTCAGGCCGGGGGGACAGGCATG[G>T]CTCCTCAGACTGGGGGGACAGGTGTGATTCCTCAGGTTGGGGGGACAAGCATGGCTCCTC-3'
Protein context (NP_003473.3, residues 830-850): ESHLSPQSEE[Pro840Thr]CLSPRPEESH

ClinVar aggregate classification (germline): Uncertain significance (1 of 4 stars; one submission).

Conditions:
Kabuki syndrome. Also called: NIIKAWA-KUROKI SYNDROME; Kabuki make-up syndrome. Identifiers: Orphanet 2322, MedGen C0796004, MONDO:0016512.

gnomAD v4.1: 3 of 1,513,594 alleles (0.0002%); highest among the groups gnomAD compares: Non-Finnish European, 0.00027%; no homozygotes.

Submission:

Labcorp Genetics (formerly Invitae), Labcorp
Classification: Uncertain significance for Kabuki syndrome. Last evaluated: 2023-09-08. Review status: criteria provided, single submitter. Criteria: Invitae Variant Classification Sherloc (09022015). Collection method: clinical testing. Allele origin: germline.
Comment: In summary, the available evidence is currently insufficient to determine the role of this variant in disease. Therefore, it has been classified as a Variant of Uncertain Significance. Advanced modeling of protein sequence and biophysical properties (such as structural, functional, and spatial information, amino acid conservation, physicochemical variation, residue mobility, and thermodynamic stability) performed at Invitae indicates that this missense variant is not expected to disrupt KMT2D protein function. This variant has not been reported in the literature in individuals affected with KMT2D-related conditions. This variant is not present in population databases (gnomAD no frequency). This sequence change replaces proline, which is neutral and non-polar, with threonine, which is neutral and polar, at codon 840 of the KMT2D protein (p.Pro840Thr).